The following is an entry in ClinVar:

ClinVar aggregate classification (germline): Uncertain significance. Review status: criteria provided, multiple submitters, no conflicts (2 of 4 stars). 2 submissions from 2 submitters: Uncertain significance (2). Last evaluated 2025-02-24.

Submissions (2):

Labcorp Genetics (formerly Invitae), Labcorp
Classification: Uncertain significance. Last evaluated: 2025-02-24. Review status: criteria provided, single submitter. Criteria: Invitae Variant Classification Sherloc (09022015). Collection method: clinical testing. Allele origin: germline.
Comment: This sequence change falls in intron 12 of the EMC1 gene. It does not directly change the encoded amino acid sequence of the EMC1 protein. It affects a nucleotide within the consensus splice site. This variant is not present in population databases (gnomAD no frequency). This variant has not been reported in the literature in individuals affected with EMC1-related conditions. ClinVar contains an entry for this variant (Variation ID: 1023246). Variants that disrupt the consensus splice site are a relatively common cause of aberrant splicing (PMID: 17576681, 9536098). Algorithms developed to predict the effect of sequence changes on RNA splicing suggest that this variant may disrupt the consensus splice site. In summary, the available evidence is currently insufficient to determine the role of this variant in disease. Therefore, it has been classified as a Variant of Uncertain Significance.

Blueprint Genetics
Classification: Uncertain significance. Last evaluated: 2019-12-12. Review status: criteria provided, single submitter. Criteria: ACMG Guidelines, 2015. Collection method: clinical testing. Allele origin: germline.

Literature cited by the submitters: PubMed 17576681 (cited by Labcorp Genetics (formerly Invitae), Labcorp); PubMed 9536098 (cited by Labcorp Genetics (formerly Invitae), Labcorp).

NM_015047.3(EMC1):c.1309+3A>T

Genes: EMC1 (ER membrane protein complex subunit 1; minus strand), EMC1-AS1 (EMC1 antisense RNA 1; plus strand). Cytogenetic location: 1p36.13.
Variant type: single nucleotide variant.
Coding change: c.1309+3A>T on transcript NM_015047.3 (MANE Select); 3 bases into the intron after coding-DNA position 1309, A replaced by T.
Molecular consequence: intron variant.
Genome position (GRCh38, 1-based): chr1:19,237,139, T>A on the plus strand (A>T on the coding strand, the complement: EMC1 is on the minus strand). VCF-style: chr1-19237139-T-A. GRCh37 (hg19) VCF-style: chr1-19563633-T-A.
Other names: c.1243+3A>T (NM_001271429.2); c.1306+3A>T (NM_001271427.2, NM_001375821.1); c.1309+3A>T (NM_001271428.2, NM_001375820.1).
Identifiers: ClinVar variation 1023246 (VCV001023246.7), dbSNP rs2093571464, ClinGen allele CA1157049327.